The following is an entry in ClinVar:

NM_006648.4(WNK2):c.5315A>C (p.Asp1772Ala)

Gene: WNK2 (WNK lysine deficient protein kinase 2; plus strand). Cytogenetic location: 9q22.31.
Variant type: single nucleotide variant.
Coding change: c.5315A>C on transcript NM_006648.4 (MANE Select); coding-DNA position 5315, A replaced by C.
Protein change: p.Asp1772Ala; replaces aspartic acid 1772 with alanine.
Molecular consequence: missense variant.
Genome position (GRCh38, 1-based): chr9:93,292,780, A>C. VCF-style: chr9-93292780-A-C. GRCh37 (hg19) VCF-style: chr9-96055062-A-C.
Other names: c.5426A>C, p.Asp1809Ala (NM_001282394.3); short protein forms D1772A, D1809A.
Identifiers: ClinVar variation 3817058 (VCV003817058.1).
Genomic context (GRCh38, chr9:93,292,780, plus strand): 5'-GCACTCAGGACGAGTGGACCCTGGCCTCCCCCCACAGCCTGAGATACTCTGCCCCACCCG[A>C]CGTCTACCTGGACGAGGCCCCCTCCAGCCCCGACGTGAAGCTGGCAGTGCGGCGGGCGCA-3'
Protein context (NP_006639.3, residues 1762-1782): PHSLRYSAPP[Asp1772Ala]VYLDEAPSSP

ClinVar aggregate classification (germline): Uncertain significance (1 of 4 stars; one submission).

Submission:

Ambry Genetics
Classification: Uncertain significance. Last evaluated: 2025-02-10. Review status: criteria provided, single submitter. Criteria: Ambry Variant Classification Scheme 2023. Collection method: clinical testing. Allele origin: germline.
Comment: The p.D1772A variant (also known as c.5315A>C), located in coding exon 22 of the WNK2 gene, results from an A to C substitution at nucleotide position 5315. The aspartic acid at codon 1772 is replaced by alanine, an amino acid with dissimilar properties. This amino acid position is conserved. In addition, the in silico prediction for this alteration is inconclusive. Based on the available evidence, the clinical significance of this variant remains unclear.